The following is an entry in ClinVar:

ClinVar aggregate classification (germline): Uncertain significance (1 of 4 stars; one submission).

Submission:

GeneDx
Classification: Uncertain significance. Last evaluated: 2024-11-22. Review status: criteria provided, single submitter. Criteria: GeneDx Variant Classification Process June 2021. Collection method: clinical testing. Allele origin: germline. Affected: yes.
Comment: Not observed at significant frequency in large population cohorts (gnomAD); In silico analysis indicates that this missense variant does not alter protein structure/function; Has not been previously published as pathogenic or benign to our knowledge

NM_006950.3(SYN1):c.1432G>A (p.Gly478Arg)

Gene: SYN1 (synapsin I; minus strand). Cytogenetic location: Xp11.3.
Variant type: single nucleotide variant.
Coding change: c.1432G>A on transcript NM_006950.3 (MANE Select); coding-DNA position 1432, G replaced by A.
Protein change: p.Gly478Arg; replaces glycine 478 with arginine.
Molecular consequence: missense variant.
Genome position (GRCh38, 1-based): chrX:47,574,552, C>T on the plus strand (G>A on the coding strand, the complement: SYN1 is on the minus strand). VCF-style: chrX-47574552-C-T. GRCh37 (hg19) VCF-style: chrX-47433951-C-T.
Other names: c.1432G>A, p.Gly478Arg (NM_133499.2); short protein forms G478R.
Identifiers: ClinVar variation 3900102 (VCV003900102.1).